The following is an entry in ClinVar:

ClinVar aggregate classification (germline): Uncertain significance (1 of 4 stars; one submission).

gnomAD v4.1: 1 of 1,613,774 alleles (0.000062%); highest among the groups gnomAD compares: South Asian, 0.0011%; no homozygotes.

Submission:

GeneDx
Classification: Uncertain significance. Last evaluated: 2024-05-08. Review status: criteria provided, single submitter. Criteria: GeneDx Variant Classification Process June 2021. Collection method: clinical testing. Allele origin: germline. Affected: yes.
Comment: Not observed at significant frequency in large population cohorts (gnomAD); In silico analysis supports that this missense variant has a deleterious effect on protein structure/function; Has not been previously published as pathogenic or benign to our knowledge; In silico analysis is inconclusive as to whether the variant alters gene splicing. In the absence of RNA/functional studies, the actual effect of this sequence change is unknown.

NM_006421.5(ARFGEF1):c.3107A>G (p.Asp1036Gly)

Gene: ARFGEF1 (ARF guanine nucleotide exchange factor 1; minus strand). Cytogenetic location: 8q13.2.
Variant type: single nucleotide variant.
Coding change: c.3107A>G on transcript NM_006421.5 (MANE Select); coding-DNA position 3107, A replaced by G.
Protein change: p.Asp1036Gly; replaces aspartic acid 1036 with glycine.
Molecular consequence: missense variant. On other transcripts: non-coding transcript variant (1).
Genome position (GRCh38, 1-based): chr8:67,238,766, T>C on the plus strand (A>G on the coding strand, the complement: ARFGEF1 is on the minus strand). VCF-style: chr8-67238766-T-C. GRCh37 (hg19) VCF-style: chr8-68151001-T-C.
Other names: c.3107A>G, p.Asp1036Gly (NM_001413184.1, NM_001413185.1, NM_001413186.1 and 6 more transcripts); c.2507A>G, p.Asp836Gly (NM_001413188.1, NM_001413193.1, NM_001413197.1); c.3101A>G, p.Asp1034Gly (NM_001413190.1); c.1682A>G, p.Asp561Gly (NM_001413196.1); short protein forms D1034G, D1036G, D561G, D836G.
Identifiers: ClinVar variation 3375634 (VCV003375634.1).